The following is an entry in ClinVar:

NM_000489.6(ATRX):c.2005G>C (p.Glu669Gln)

Gene: ATRX (ATRX chromatin remodeler; minus strand). Cytogenetic location: Xq21.1.
Variant type: single nucleotide variant.
Coding change: c.2005G>C on transcript NM_000489.6 (MANE Select); coding-DNA position 2005, G replaced by C.
Protein change: p.Glu669Gln; replaces glutamic acid 669 with glutamine.
Molecular consequence: missense variant.
Genome position (GRCh38, 1-based): chrX:77,683,251, C>G on the plus strand (G>C on the coding strand, the complement: ATRX is on the minus strand). VCF-style: chrX-77683251-C-G. GRCh37 (hg19) VCF-style: chrX-76938743-C-G.
Other names: c.1891G>C, p.Glu631Gln (NM_138270.5); short protein forms E631Q, E669Q.
Identifiers: ClinVar variation 2851453 (VCV002851453.3), dbSNP rs2148609349, ClinGen allele CA413714986.

ClinVar aggregate classification (germline): Uncertain significance (1 of 4 stars; one submission).

Conditions:
Alpha thalassemia-X-linked intellectual disability syndrome (ATRX). Also called: ALPHA-THALASSEMIA/MENTAL RETARDATION SYNDROME, X-LINKED; ATR, NONDELETION TYPE; ATR-X syndrome; Alpha thalassemia mental retardation syndrome, nondeletion type, X-linked; XLMR hypotonic face syndrome; X-linked alpha-thalassemia-mental retardation syndrome. Identifiers: Orphanet 847, MedGen C1845055, MONDO:0010519, OMIM 301040.

Submission:

Labcorp Genetics (formerly Invitae), Labcorp
Classification: Uncertain significance for Alpha thalassemia-X-linked intellectual disability syndrome. Last evaluated: 2024-07-22. Review status: criteria provided, single submitter. Criteria: Invitae Variant Classification Sherloc (09022015). Collection method: clinical testing. Allele origin: germline.
Comment: This sequence change replaces glutamic acid, which is acidic and polar, with glutamine, which is neutral and polar, at codon 669 of the ATRX protein (p.Glu669Gln). This variant is not present in population databases (gnomAD no frequency). This variant has not been reported in the literature in individuals affected with ATRX-related conditions. Advanced modeling of protein sequence and biophysical properties (such as structural, functional, and spatial information, amino acid conservation, physicochemical variation, residue mobility, and thermodynamic stability) performed at Invitae indicates that this missense variant is not expected to disrupt ATRX protein function with a negative predictive value of 95%. In summary, the available evidence is currently insufficient to determine the role of this variant in disease. Therefore, it has been classified as a Variant of Uncertain Significance.